The following is an entry in ClinVar:

ClinVar aggregate classification (germline): Uncertain significance (1 of 4 stars; one submission).

Allele frequency attached by ClinVar (database versions not stated): gnomAD exomes below 0.00001.
gnomAD v4.1: 2 of 1,612,432 alleles (0.00012%); highest among the groups gnomAD compares: Non-Finnish European, 0.00017%; no homozygotes.

Submission:

Ambry Genetics
Classification: Uncertain significance. Last evaluated: 2022-12-12. Review status: criteria provided, single submitter. Criteria: Ambry Variant Classification Scheme 2023. Collection method: clinical testing. Allele origin: germline.
Comment: The p.H1418R variant (also known as c.4253A>G), located in coding exon 16 of the POLQ gene, results from an A to G substitution at nucleotide position 4253. The histidine at codon 1418 is replaced by arginine, an amino acid with highly similar properties. This amino acid position is conserved. In addition, this alteration is predicted to be tolerated by in silico analysis. Since supporting evidence is limited at this time, the clinical significance of this alteration remains unclear.

NM_199420.4(POLQ):c.4253A>G (p.His1418Arg)

Gene: POLQ (DNA polymerase theta; minus strand). Cytogenetic location: 3q13.33.
Variant type: single nucleotide variant.
Coding change: c.4253A>G on transcript NM_199420.4 (MANE Select); coding-DNA position 4253, A replaced by G.
Protein change: p.His1418Arg; replaces histidine 1418 with arginine.
Molecular consequence: missense variant.
Genome position (GRCh38, 1-based): chr3:121,488,678, T>C on the plus strand (A>G on the coding strand, the complement: POLQ is on the minus strand). VCF-style: chr3-121488678-T-C. GRCh37 (hg19) VCF-style: chr3-121207525-T-C.
Other names: short protein forms H1418R.
Identifiers: ClinVar variation 2497180 (VCV002497180.2), dbSNP rs2546786088, ClinGen allele CA354095602.